The following is an entry in ClinVar:

ClinVar aggregate classification (germline): Likely benign (1 of 4 stars; one submission).

gnomAD v4.1: 69 of 1,614,058 alleles (0.0043%); highest among the groups gnomAD compares: Admixed American, 0.0067%; no homozygotes.

Submission:

CeGaT Center for Human Genetics Tuebingen
Classification: Likely benign. Last evaluated: 2025-04-01. Review status: criteria provided, single submitter. Criteria: CeGaT Center For Human Genetics Tuebingen Variant Classification Criteria Version 2. Collection method: clinical testing. Allele origin: germline. Affected: yes. Observed: 1 variant allele.
Comment: POGZ: BP4

NM_015100.4(POGZ):c.3589A>G (p.Ser1197Gly)

Gene: POGZ (pogo transposable element derived with ZNF domain; minus strand). Cytogenetic location: 1q21.3.
Variant type: single nucleotide variant.
Coding change: c.3589A>G on transcript NM_015100.4 (MANE Select); coding-DNA position 3589, A replaced by G.
Protein change: p.Ser1197Gly; replaces serine 1197 with glycine.
Molecular consequence: missense variant.
Genome position (GRCh38, 1-based): chr1:151,405,446, T>C on the plus strand (A>G on the coding strand, the complement: POGZ is on the minus strand). VCF-style: chr1-151405446-T-C. GRCh37 (hg19) VCF-style: chr1-151377922-T-C.
Other names: c.3562A>G, p.Ser1188Gly (NM_001194937.2); c.3403A>G, p.Ser1135Gly (NM_001194938.2); c.3610A>G, p.Ser1204Gly (NM_001410860.1); c.3304A>G, p.Ser1102Gly (NM_145796.4); c.3430A>G, p.Ser1144Gly (NM_207171.2); short protein forms S1102G, S1135G, S1144G, S1188G, S1197G, S1204G.
Identifiers: ClinVar variation 3898254 (VCV003898254.7).
Genomic context (GRCh38, chr1:151,405,446, plus strand): 5'-TGTGCTTCTGCCACACTCGAGTTGACCACAGCTCCATGATCTCGTCATCACTGTAGCCAC[T>C]CTCCTTTGCCTCTAGCAATATGGAGTCTGGCATGTTAGCAGGCTGATCCATCTGCCCTCT-3'
Protein context (NP_055915.2, residues 1187-1207): PDSILLEAKE[Ser1197Gly]GYSDDEIMEL